The following is an entry in ClinVar:

ClinVar aggregate classification (germline): Uncertain significance (1 of 4 stars; one submission).

gnomAD v4.1: 151 of 1,613,990 alleles (0.0094%); highest among the groups gnomAD compares: Non-Finnish European, 0.012%; 1 homozygote.

Submission:

Women's Health and Genetics/Laboratory Corporation of America, LabCorp
Classification: Uncertain significance. Last evaluated: 2025-04-16. Review status: criteria provided, single submitter. Criteria: LabCorp Variant Classification Summary - May 2015. Collection method: clinical testing. Allele origin: germline.
Comment: Variant summary: GP6 c.1289T>A (p.Met430Lys) results in a non-conservative amino acid change in the encoded protein sequence. Three of four in-silico tools predict a benign effect of the variant on protein function. The variant allele was found at a frequency of 1.2e-05 in 249470 control chromosomes. The available data on variant occurrences in the general population are insufficient to allow any conclusion about variant significance. c.1289T>A has been observed in one individual from a cohort of patients with acute myeloid leukemia and myelodysplastic syndrom (Rio-Machin_2020). These report(s) do not provide unequivocal conclusions about association of the variant with Platelet-Type Bleeding Disorder 11. To our knowledge, no experimental evidence demonstrating an impact on protein function has been reported. The following publication have been ascertained in the context of this evaluation (PMID: 32098966). No submitters have cited clinical-significance assessments for this variant to ClinVar. Based on the evidence outlined above, the variant was classified as uncertain significance.

Literature cited by the submitters: PubMed 32098966.

NM_016363.5(GP6):c.*265T>A

Gene: GP6 (glycoprotein VI platelet; minus strand). Cytogenetic location: 19q13.42.
Variant type: single nucleotide variant.
Coding change: c.*265T>A on transcript NM_016363.5 (MANE Select); 265 bases downstream of the stop codon, T replaced by A.
Molecular consequence: 3 prime UTR variant. On other transcripts: missense variant (1).
Genome position (GRCh38, 1-based): chr19:55,014,656, A>T on the plus strand (T>A on the coding strand, the complement: GP6 is on the minus strand). VCF-style: chr19-55014656-A-T. GRCh37 (hg19) VCF-style: chr19-55526024-A-T.
Other names: c.1289T>A, p.Met430Lys (NM_001083899.2); c.*265T>A (NM_001256017.2); short protein forms M430K.
Identifiers: ClinVar variation 3896233 (VCV003896233.2).